The following is an entry in ClinVar:

ClinVar aggregate classification (germline): Uncertain significance (1 of 4 stars; one submission).

gnomAD v4.1: 20 of 1,614,118 alleles (0.0012%); highest among the groups gnomAD compares: Non-Finnish European, 0.0016%; no homozygotes.

Submission:

Labcorp Genetics (formerly Invitae), Labcorp
Classification: Uncertain significance. Last evaluated: 2024-12-09. Review status: criteria provided, single submitter. Criteria: Invitae Variant Classification Sherloc (09022015). Collection method: clinical testing. Allele origin: germline.
Comment: This sequence change replaces arginine, which is basic and polar, with cysteine, which is neutral and slightly polar, at codon 975 of the ATP2B2 protein (p.Arg975Cys). This variant is present in population databases (rs768217763, gnomAD 0.0009%). This variant has not been reported in the literature in individuals affected with ATP2B2-related conditions. Invitae Evidence Modeling of protein sequence and biophysical properties (such as structural, functional, and spatial information, amino acid conservation, physicochemical variation, residue mobility, and thermodynamic stability) indicates that this missense variant is not expected to disrupt ATP2B2 protein function with a negative predictive value of 80%. In summary, the available evidence is currently insufficient to determine the role of this variant in disease. Therefore, it has been classified as a Variant of Uncertain Significance.

NM_001001331.4(ATP2B2):c.3058C>T (p.Arg1020Cys)

Gene: ATP2B2 (ATPase plasma membrane Ca2+ transporting 2; minus strand). Cytogenetic location: 3p25.3.
Variant type: single nucleotide variant.
Coding change: c.3058C>T on transcript NM_001001331.4 (MANE Select); coding-DNA position 3058, C replaced by T.
Protein change: p.Arg1020Cys; replaces arginine 1020 with cysteine.
Molecular consequence: missense variant.
Genome position (GRCh38, 1-based): chr3:10,340,564, G>A on the plus strand (C>T on the coding strand, the complement: ATP2B2 is on the minus strand). VCF-style: chr3-10340564-G-A. GRCh37 (hg19) VCF-style: chr3-10382248-G-A.
Other names: c.2923C>T, p.Arg975Cys (NM_001330611.3, NM_001353564.1, NM_001363862.1 and 1 more transcripts); short protein forms R975C, R1020C.
Identifiers: ClinVar variation 3719176 (VCV003719176.2).